The following is an entry in ClinVar:

NM_004655.4(AXIN2):c.2123C>T (p.Ser708Leu)

Gene: AXIN2 (axin 2; minus strand). Cytogenetic location: 17q24.1.
Variant type: single nucleotide variant.
Coding change: c.2123C>T on transcript NM_004655.4 (MANE Select); coding-DNA position 2123, C replaced by T.
Protein change: p.Ser708Leu; replaces serine 708 with leucine.
Molecular consequence: missense variant.
Genome position (GRCh38, 1-based): chr17:65,536,338, G>A on the plus strand (C>T on the coding strand, the complement: AXIN2 is on the minus strand). VCF-style: chr17-65536338-G-A. GRCh37 (hg19) VCF-style: chr17-63532456-G-A.
Other names: p.S708L:TCG>TTG; c.2123C>T (LRG_296t1); c.1928C>T, p.Ser643Leu (NM_001363813.1); short protein forms S708L, S643L.
Identifiers: ClinVar variation 127942 (VCV000127942.25), dbSNP rs587780123, ClinGen allele CA288101.

ClinVar aggregate classification (germline): Conflicting classifications of pathogenicity. Review status: criteria provided, conflicting classifications (1 of 4 stars). 5 submissions from 5 submitters: Uncertain significance (4); Likely benign (1). Last evaluated 2026-01-27.

Conditions:
Colorectal cancer. Also called: Colorectal cancer, somatic; Malignant Colorectal Neoplasm. Identifiers: MedGen C0346629, MONDO:0005575, OMIM 114500.
Hereditary cancer-predisposing syndrome. Also called: Hereditary neoplastic syndrome; Neoplastic Syndromes, Hereditary; Hereditary Cancer Syndrome; Tumor predisposition. Identifiers: Orphanet 140162, MedGen C0027672, MeSH D009386, MONDO:0015356.
Oligodontia-cancer predisposition syndrome. Also called: TOOTH AGENESIS-COLORECTAL CANCER SYNDROME. Identifiers: Orphanet 300576, MedGen C1837750, MONDO:0012075, OMIM 608615. Disease mechanism: loss of function.

Allele frequency attached by ClinVar (database versions not stated): gnomAD exomes 0.00002; TOPMed 0.00002; gnomAD 0.00003.
gnomAD v4.1: 33 of 1,612,098 alleles (0.002%); highest among the groups gnomAD compares: Non-Finnish European, 0.0026%; no homozygotes.

Submissions (5):

Labcorp Genetics (formerly Invitae), Labcorp
Classification: Uncertain significance for Oligodontia-cancer predisposition syndrome. Last evaluated: 2026-01-27. Review status: criteria provided, single submitter. Criteria: Invitae Variant Classification Sherloc (09022015). Collection method: clinical testing. Allele origin: germline.
Comment: This sequence change replaces serine, which is neutral and polar, with leucine, which is neutral and non-polar, at codon 708 of the AXIN2 protein (p.Ser708Leu). This variant is present in population databases (rs587780123, gnomAD 0.004%). This variant has not been reported in the literature in individuals affected with AXIN2-related conditions. ClinVar contains an entry for this variant (Variation ID: 127942). Invitae Evidence Modeling of protein sequence and biophysical properties (such as structural, functional, and spatial information, amino acid conservation, physicochemical variation, residue mobility, and thermodynamic stability) has been performed for this missense variant. However, the output from this modeling did not meet the statistical confidence thresholds required to predict the impact of this variant on AXIN2 protein function. In summary, the available evidence is currently insufficient to determine the role of this variant in disease. Therefore, it has been classified as a Variant of Uncertain Significance.

Center for Genomic Medicine, Rigshospitalet, Copenhagen University Hospital
Classification: Uncertain significance. Last evaluated: 2025-12-29. Review status: criteria provided, single submitter. Criteria: ACMG Guidelines, 2015. Collection method: clinical testing. Allele origin: germline.

Ambry Genetics
Classification: Likely benign for Hereditary cancer-predisposing syndrome. Last evaluated: 2024-11-08. Review status: criteria provided, single submitter. Criteria: Ambry Variant Classification Scheme 2023. Collection method: clinical testing. Allele origin: germline.

Baylor Genetics
Classification: Uncertain significance for Colorectal cancer. Last evaluated: 2024-01-08. Review status: criteria provided, single submitter. Criteria: ACMG Guidelines, 2015. Collection method: clinical testing. Allele origin: unknown.

GeneDx
Classification: Uncertain significance. Last evaluated: 2023-08-29. Review status: criteria provided, single submitter. Criteria: GeneDx Variant Classification Process June 2021. Collection method: clinical testing. Allele origin: germline. Affected: yes.
Comment: Not observed at significant frequency in large population cohorts (gnomAD); In silico analysis supports that this missense variant has a deleterious effect on protein structure/function; Has not been previously published as pathogenic or benign to our knowledge